The following is an entry in ClinVar:

ClinVar aggregate classification (germline): Uncertain significance. Review status: criteria provided, multiple submitters, no conflicts (2 of 4 stars). 5 submissions from 5 submitters: Uncertain significance (5). Last evaluated 2026-05-26.

Conditions:
TWNK-related disorder. Also called: TWNK-related condition.

Allele frequency attached by ClinVar (database versions not stated): ExAC 0.00003; gnomAD exomes 0.00004 and 0.00019; TOPMed 0.00008; gnomAD 0.00009 and 0.00010; ESP Exome Variant Server 0.00031.
gnomAD v4.1: 303 of 1,614,072 alleles (0.019%); highest among the groups gnomAD compares: Non-Finnish European, 0.023%; no homozygotes.

Submissions (5):

PreventionGenetics, part of Exact Sciences
Classification: Uncertain significance for TWNK-related condition. Last evaluated: 2026-05-26. Review status: criteria provided, single submitter. Criteria: ACMG Guidelines, 2015. Collection method: clinical testing. Allele origin: germline.
Comment: The TWNK c.2015C>G variant is predicted to result in the amino acid substitution p.Pro672Arg. To our knowledge, this variant has not been reported in the literature. This variant is reported in 0.0078% of alleles in individuals of European (Non-Finnish) descent in gnomAD. At this time, the clinical significance of this variant is uncertain due to the absence of conclusive functional and genetic evidence.

Labcorp Genetics (formerly Invitae), Labcorp
Classification: Uncertain significance. Last evaluated: 2025-12-10. Review status: criteria provided, single submitter. Criteria: Invitae Variant Classification Sherloc (09022015). Collection method: clinical testing. Allele origin: germline.
Comment: This sequence change replaces proline, which is neutral and non-polar, with arginine, which is basic and polar, at codon 672 of the TWNK protein (p.Pro672Arg). This variant is present in population databases (rs199583659, gnomAD 0.006%). This variant has not been reported in the literature in individuals affected with TWNK-related conditions. ClinVar contains an entry for this variant (Variation ID: 214179). Invitae Evidence Modeling of protein sequence and biophysical properties (such as structural, functional, and spatial information, amino acid conservation, physicochemical variation, residue mobility, and thermodynamic stability) indicates that this missense variant is not expected to disrupt TWNK protein function with a negative predictive value of 95%. In summary, the available evidence is currently insufficient to determine the role of this variant in disease. Therefore, it has been classified as a Variant of Uncertain Significance.

Mayo Clinic Laboratories, Mayo Clinic
Classification: Uncertain significance. Last evaluated: 2025-03-19. Review status: criteria provided, single submitter. Criteria: ACMG Guidelines, 2015. Collection method: clinical testing. Allele origin: germline. Observed: 2 variant alleles.
Comment: BP4_moderate

Blueprint Genetics
Classification: Uncertain significance. Last evaluated: 2024-09-18. Review status: criteria provided, single submitter. Criteria: ACMG Guidelines, 2015. Collection method: clinical testing. Allele origin: germline.

GeneDx
Classification: Uncertain significance. Last evaluated: 2024-09-03. Review status: criteria provided, single submitter. Criteria: GeneDx Variant Classification Process June 2021. Collection method: clinical testing. Allele origin: germline. Affected: yes.
Comment: In silico analysis indicates that this missense variant does not alter protein structure/function; Has not been previously published as pathogenic or benign to our knowledge

NM_021830.5(TWNK):c.2015C>G (p.Pro672Arg)

Gene: TWNK (twinkle mtDNA helicase; plus strand). Cytogenetic location: 10q24.31.
Variant type: single nucleotide variant.
Coding change: c.2015C>G on transcript NM_021830.5 (MANE Select); coding-DNA position 2015, C replaced by G.
Protein change: p.Pro672Arg; replaces proline 672 with arginine.
Molecular consequence: missense variant. On other transcripts: 3 prime UTR variant (2), non-coding transcript variant (5).
Genome position (GRCh38, 1-based): chr10:100,993,470, C>G. VCF-style: chr10-100993470-C-G. GRCh37 (hg19) VCF-style: chr10-102753227-C-G.
Other names: p.P672R:CCC>CGC; p.Pro672Arg; c.*310C>G (NM_001163812.2, NM_001163814.2); c.653C>G, p.Pro218Arg (NM_001163813.2, NM_001368275.1); short protein forms P672R, P218R.
Identifiers: ClinVar variation 214179 (VCV000214179.11), dbSNP rs199583659, ClinGen allele CA321253.